The following is an entry in ClinVar:

NM_000562.3(C8A):c.1453C>T (p.Arg485Cys)

Gene: C8A (complement C8 alpha chain; plus strand). Cytogenetic location: 1p32.2.
Variant type: single nucleotide variant.
Coding change: c.1453C>T on transcript NM_000562.3 (MANE Select); coding-DNA position 1453, C replaced by T.
Protein change: p.Arg485Cys; replaces arginine 485 with cysteine.
Molecular consequence: missense variant.
Genome position (GRCh38, 1-based): chr1:56,912,475, C>T. VCF-style: chr1-56912475-C-T. GRCh37 (hg19) VCF-style: chr1-57378148-C-T.
Other names: short protein forms R485C.
Identifiers: ClinVar variation 1896814 (VCV001896814.2), dbSNP rs370599466, ClinGen allele CA875398.
Genomic context (GRCh38, chr1:56,912,475, plus strand): 5'-CACGAGGTGCTGCGGCACACAAGCCTGGGGCCTCTGGAGGCCAAGCGCCAGAACCTGCGC[C>T]GCGCCTTGGACCAGTATCTGATGGAATTCAATGCCTGCCGATGTGGGCCTTGCTTCAACA-3'
Protein context (NP_000553.1, residues 475-495): PLEAKRQNLR[Arg485Cys]ALDQYLMEFN

ClinVar aggregate classification (germline): Uncertain significance (1 of 4 stars; one submission).

Allele frequency attached by ClinVar (database versions not stated): ExAC 0.00002; TOPMed 0.00002; ESP Exome Variant Server 0.00008.
gnomAD v4.1: 48 of 1,614,078 alleles (0.003%); highest among the groups gnomAD compares: East Asian, 0.0067%; no homozygotes.

Submission:

Labcorp Genetics (formerly Invitae), Labcorp
Classification: Uncertain significance. Last evaluated: 2022-08-31. Review status: criteria provided, single submitter. Criteria: Invitae Variant Classification Sherloc (09022015). Collection method: clinical testing. Allele origin: germline.
Comment: This sequence change replaces arginine, which is basic and polar, with cysteine, which is neutral and slightly polar, at codon 485 of the C8A protein (p.Arg485Cys). The frequency data for this variant in the population databases is considered unreliable, as metrics indicate poor data quality at this position in the gnomAD database. This variant has not been reported in the literature in individuals affected with C8A-related conditions. Algorithms developed to predict the effect of missense changes on protein structure and function are either unavailable or do not agree on the potential impact of this missense change (SIFT: "Deleterious"; PolyPhen-2: "Possibly Damaging"; Align-GVGD: "Class C15"). In summary, the available evidence is currently insufficient to determine the role of this variant in disease. Therefore, it has been classified as a Variant of Uncertain Significance.